The following is an entry in ClinVar:

ClinVar aggregate classification (germline): Uncertain significance (1 of 4 stars; one submission).

Submission:

CeGaT Center for Human Genetics Tuebingen
Classification: Uncertain significance. Last evaluated: 2022-05-01. Review status: criteria provided, single submitter. Criteria: CeGaT Center For Human Genetics Tuebingen Variant Classification Criteria Version 2. Collection method: clinical testing. Allele origin: germline. Affected: yes. Observed: 2 variant alleles.
Comment: DYRK1B: PM2, PP4, PVS1:Supporting

NM_004714.3(DYRK1B):c.64-2A>C

Gene: DYRK1B (dual specificity tyrosine phosphorylation regulated kinase 1B; minus strand). Cytogenetic location: 19q13.2.
Variant type: single nucleotide variant.
Coding change: c.64-2A>C on transcript NM_004714.3 (MANE Select); the canonical splice acceptor site of the intron before coding-DNA position 64, A replaced by C.
Molecular consequence: splice acceptor variant.
Genome position (GRCh38, 1-based): chr19:39,830,785, T>G on the plus strand (A>C on the coding strand, the complement: DYRK1B is on the minus strand). VCF-style: chr19-39830785-T-G. GRCh37 (hg19) VCF-style: chr19-40321425-T-G.
Other names: c.64-2A>C (NM_006483.3, NM_006484.3).
Identifiers: ClinVar variation 1675741 (VCV001675741.33), dbSNP rs2145030731, ClinGen allele CA405830151.